The following is an entry in ClinVar:

NM_001017420.3(ESCO2):c.742A>G (p.Thr248Ala)

Gene: ESCO2 (establishment of sister chromatid cohesion N-acetyltransferase 2; plus strand). Cytogenetic location: 8p21.1.
Variant type: single nucleotide variant.
Coding change: c.742A>G on transcript NM_001017420.3 (MANE Select); coding-DNA position 742, A replaced by G.
Protein change: p.Thr248Ala; replaces threonine 248 with alanine.
Molecular consequence: missense variant.
Genome position (GRCh38, 1-based): chr8:27,777,050, A>G. VCF-style: chr8-27777050-A-G. GRCh37 (hg19) VCF-style: chr8-27634567-A-G.
Other names: short protein forms T248A.
Identifiers: ClinVar variation 763396 (VCV000763396.17), dbSNP rs750159862, ClinGen allele CA4692103.

ClinVar aggregate classification (germline): Conflicting classifications of pathogenicity. Review status: criteria provided, conflicting classifications (1 of 4 stars). 5 submissions from 5 submitters: Uncertain significance (1); Likely benign (2). 2 of the submissions do not count toward it. Last evaluated 2026-01-24.

Conditions:
ESCO2-related disorder. Also called: ESCO2-related condition.
Inborn genetic diseases. Identifiers: MedGen C0950123, MeSH D030342.
Roberts-SC phocomelia syndrome (RBS). Also called: Hypomelia hypotrichosis facial hemangioma syndrome; ESCO2 Spectrum Disorder; Pseudothalidomide syndrome; Appelt-Gerken-Lenz syndrome; LONG BONE DEFICIENCIES ASSOCIATED WITH CLEFT LIP-PALATE. Identifiers: Orphanet 3103, MedGen C0392475, MONDO:0100253, OMIM 268300.

Allele frequency attached by ClinVar (database versions not stated): gnomAD 0.00004 and 0.00005; gnomAD exomes 0.00005 and 0.00016; TOPMed 0.00010; ExAC 0.00015.
gnomAD v4.1: 78 of 1,608,856 alleles (0.0048%); highest among the groups gnomAD compares: East Asian, 0.16%; no homozygotes.

Submissions (5):

Labcorp Genetics (formerly Invitae), Labcorp
Classification: Likely benign. Last evaluated: 2026-01-24. Review status: criteria provided, single submitter. Criteria: Invitae Variant Classification Sherloc (09022015). Collection method: clinical testing. Allele origin: germline.

Ambry Genetics
Classification: Likely benign for Inborn genetic diseases. Last evaluated: 2023-12-13. Review status: criteria provided, single submitter. Criteria: Ambry Variant Classification Scheme 2023. Collection method: clinical testing. Allele origin: germline.

Illumina Laboratory Services, Illumina
Classification: Uncertain significance for Roberts-SC phocomelia syndrome. Last evaluated: 2018-01-12. Review status: criteria provided, single submitter. Criteria: ICSL Variant Classification Criteria 13 December 2019. Collection method: clinical testing. Allele origin: germline.

PreventionGenetics, part of Exact Sciences
Classification: Likely benign for ESCO2-related condition. Last evaluated: 2022-10-24. Review status: no assertion criteria provided. Collection method: clinical testing. Allele origin: germline. Not counted in ClinVar's aggregate classification.
Comment: This variant is classified as likely benign based on ACMG/AMP sequence variant interpretation guidelines (Richards et al. 2015 PMID: 25741868, with internal and published modifications).

Natera, Inc.
Classification: Likely benign for Roberts syndrome. Last evaluated: 2020-04-14. Review status: no assertion criteria provided. Collection method: clinical testing. Allele origin: germline. Not counted in ClinVar's aggregate classification.